The following is an entry in ClinVar:

ClinVar aggregate classification (germline): Uncertain significance (1 of 4 stars; one submission).

Submission:

GeneDx
Classification: Uncertain significance. Last evaluated: 2025-02-19. Review status: criteria provided, single submitter. Criteria: GeneDx Variant Classification Process June 2021. Collection method: clinical testing. Allele origin: germline. Affected: yes.
Comment: Not observed at significant frequency in large population cohorts (gnomAD); In-frame deletion of 3 amino acids and insertion of 2 different amino acids in a non-repeat region; In silico analysis indicates that this variant does not alter protein structure/function; Has not been previously published as pathogenic or benign to our knowledge

NM_019066.5(MAGEL2):c.2830_2836delinsGTGG (p.Ser944_Trp946delinsValGly)

Gene: MAGEL2 (MAGE family member L2; minus strand). Cytogenetic location: 15q11.2.
Variant type: Indel.
Coding change: c.2830_2836delinsGTGG on transcript NM_019066.5 (MANE Select); coding-DNA positions 2830 to 2836, AGTGGTT replaced by GTGG.
Protein change: p.Ser944_Trp946delinsValGly.
Molecular consequence: inframe indel.
Genome position (GRCh38, 1-based): chr15:23,644,907-23,644,913, AACCACT replaced by CCAC on the plus strand (AGTGGTT replaced by GTGG on the coding strand, the reverse complement: MAGEL2 is on the minus strand). VCF-style: chr15-23644907-AACCACT-CCAC. GRCh37 (hg19) VCF-style: chr15-23890054-AACCACT-CCAC.
Identifiers: ClinVar variation 4076818 (VCV004076818.1).
Genomic context (GRCh38, chr15:23,644,907, plus strand): 5'-CCCAGGATGCGCTGGGCCCTTCCCAGCCACTCAGGATCCTGGAGGTGCTAGGGCCCTCCC[AACCACT>CCAC]CAGGCCACGGGGGGTGTTTGGGTGCTCCCAGTCACCCGAGACCTGGATAGGGCTTTGGAC-3'